The following is an entry in ClinVar:

ClinVar aggregate classification (germline): Uncertain significance (1 of 4 stars; one submission).

Conditions:
Spastic paraplegia. Identifiers: MedGen C0037772, HP:0001258.

Submission:

Labcorp Genetics (formerly Invitae), Labcorp
Classification: Uncertain significance for Spastic paraplegia. Last evaluated: 2022-07-12. Review status: criteria provided, single submitter. Criteria: Invitae Variant Classification Sherloc (09022015). Collection method: clinical testing. Allele origin: germline.
Comment: This sequence change replaces proline, which is neutral and non-polar, with leucine, which is neutral and non-polar, at codon 593 of the ZFYVE26 protein (p.Pro593Leu). This variant is not present in population databases (gnomAD no frequency). This variant has not been reported in the literature in individuals affected with ZFYVE26-related conditions. ClinVar contains an entry for this variant (Variation ID: 1492232). Algorithms developed to predict the effect of missense changes on protein structure and function are either unavailable or do not agree on the potential impact of this missense change (SIFT: "Deleterious"; PolyPhen-2: "Benign"; Align-GVGD: "Class C15"). In summary, the available evidence is currently insufficient to determine the role of this variant in disease. Therefore, it has been classified as a Variant of Uncertain Significance.

NM_015346.4(ZFYVE26):c.1778C>T (p.Pro593Leu)

Gene: ZFYVE26 (zinc finger FYVE-type containing 26; minus strand). Cytogenetic location: 14q24.1.
Variant type: single nucleotide variant.
Coding change: c.1778C>T on transcript NM_015346.4 (MANE Select); coding-DNA position 1778, C replaced by T.
Protein change: p.Pro593Leu; replaces proline 593 with leucine.
Molecular consequence: missense variant.
Genome position (GRCh38, 1-based): chr14:67,798,484, G>A on the plus strand (C>T on the coding strand, the complement: ZFYVE26 is on the minus strand). VCF-style: chr14-67798484-G-A. GRCh37 (hg19) VCF-style: chr14-68265201-G-A.
Other names: short protein forms P593L.
Identifiers: ClinVar variation 1492232 (VCV001492232.3), dbSNP rs2140243322, ClinGen allele CA390175884.